The following is an entry in ClinVar:

NM_001291303.3(FAT4):c.14485A>G (p.Arg4829Gly)

Gene: FAT4 (FAT atypical cadherin 4; plus strand). Cytogenetic location: 4q28.1.
Variant type: single nucleotide variant.
Coding change: c.14485A>G on transcript NM_001291303.3 (MANE Select); coding-DNA position 14485, A replaced by G.
Protein change: p.Arg4829Gly; replaces arginine 4829 with glycine.
Molecular consequence: missense variant.
Genome position (GRCh38, 1-based): chr4:125,491,301, A>G. VCF-style: chr4-125491301-A-G. GRCh37 (hg19) VCF-style: chr4-126412456-A-G.
Other names: c.14482A>G, p.Arg4828Gly (NM_001291285.3); c.14479A>G, p.Arg4827Gly (NM_024582.6); short protein forms R4827G, R4828G, R4829G.
Identifiers: ClinVar variation 1925617 (VCV001925617.2), dbSNP rs754588037, ClinGen allele CA3074574.

ClinVar aggregate classification (germline): Uncertain significance (1 of 4 stars; one submission).

Allele frequency attached by ClinVar (database versions not stated): ExAC 0.00001; gnomAD 0.00001; TOPMed 0.00001; gnomAD exomes 0.00002.
gnomAD v4.1: 30 of 1,614,112 alleles (0.0019%); highest among the groups gnomAD compares: African/African-American, 0.0027%; no homozygotes.

Submission:

Labcorp Genetics (formerly Invitae), Labcorp
Classification: Uncertain significance. Last evaluated: 2022-07-19. Review status: criteria provided, single submitter. Criteria: Invitae Variant Classification Sherloc (09022015). Collection method: clinical testing. Allele origin: germline.
Comment: This sequence change replaces arginine, which is basic and polar, with glycine, which is neutral and non-polar, at codon 4827 of the FAT4 protein (p.Arg4827Gly). This variant is present in population databases (rs754588037, gnomAD 0.003%). This variant has not been reported in the literature in individuals affected with FAT4-related conditions. Advanced modeling of protein sequence and biophysical properties (such as structural, functional, and spatial information, amino acid conservation, physicochemical variation, residue mobility, and thermodynamic stability) performed at Invitae indicates that this missense variant is not expected to disrupt FAT4 protein function. In summary, the available evidence is currently insufficient to determine the role of this variant in disease. Therefore, it has been classified as a Variant of Uncertain Significance.